The following is an entry in ClinVar:

NM_001040108.2(MLH3):c.3069T>G (p.Ser1023Arg)

Gene: MLH3 (mutL homolog 3; minus strand). Cytogenetic location: 14q24.3.
Variant type: single nucleotide variant.
Coding change: c.3069T>G on transcript NM_001040108.2 (MANE Select); coding-DNA position 3069, T replaced by G.
Protein change: p.Ser1023Arg; replaces serine 1023 with arginine.
Molecular consequence: missense variant.
Genome position (GRCh38, 1-based): chr14:75,046,587, A>C on the plus strand (T>G on the coding strand, the complement: MLH3 is on the minus strand). VCF-style: chr14-75046587-A-C. GRCh37 (hg19) VCF-style: chr14-75513290-A-C.
Other names: c.3069T>G, p.Ser1023Arg (NM_014381.3); short protein forms S1023R.
Identifiers: ClinVar variation 3396651 (VCV003396651.1).

ClinVar aggregate classification (germline): Uncertain significance (1 of 4 stars; one submission).

Submission:

Ambry Genetics
Classification: Uncertain significance. Last evaluated: 2024-06-25. Review status: criteria provided, single submitter. Criteria: Ambry Variant Classification Scheme 2023. Collection method: clinical testing. Allele origin: germline.
Comment: The p.S1023R variant (also known as c.3069T>G), located in coding exon 1 of the MLH3 gene, results from a T to G substitution at nucleotide position 3069. The serine at codon 1023 is replaced by arginine, an amino acid with dissimilar properties. This amino acid position is conserved. In addition, this alteration is predicted to be tolerated by in silico analysis. Based on the available evidence, the clinical significance of this variant remains unclear.